The following is an entry in ClinVar:

ClinVar aggregate classification (germline): Conflicting classifications of pathogenicity. Review status: criteria provided, conflicting classifications (1 of 4 stars). 2 submissions from 2 submitters: Likely pathogenic (1); Uncertain significance (1). Last evaluated 2024-04-20.

Conditions:
Joubert syndrome 17 (JBTS17). Identifiers: Orphanet 475, MedGen C3553264, MONDO:0013824, OMIM 614615.
Orofaciodigital syndrome type 6 (OFD6). Also called: Oral-facial-digital syndrome type 6; Central polydactyly cleft lip/palate or lingual lump and psychomotor retardation; Y-shaped central metacarpal and cerebellar defect; Joubert syndrome with orofacialdigital anomalies; OROFACIODIGITAL SYNDROME VI; OFDS VI. Identifiers: Orphanet 2754, MedGen C2745997, MONDO:0010176, OMIM 277170.

Allele frequency attached by ClinVar (database versions not stated): gnomAD exomes below 0.00001; TOPMed 0.00001.
gnomAD v4.1: 7 of 1,547,608 alleles (0.00045%); highest among the groups gnomAD compares: East Asian, 0.0098%; no homozygotes.

Submissions (2):

Fulgent Genetics
Classification: Uncertain significance for Orofaciodigital syndrome type 6; Joubert syndrome 17. Last evaluated: 2024-04-20. Review status: criteria provided, single submitter. Criteria: ACMG Guidelines, 2015. Collection method: clinical testing. Allele origin: germline.

GeneDx
Classification: Likely pathogenic. Last evaluated: 2022-04-13. Review status: criteria provided, single submitter. Criteria: GeneDx Variant Classification Process June 2021. Collection method: clinical testing. Allele origin: germline. Affected: yes.
Comment: In silico analysis supports that this missense variant has a deleterious effect on protein structure/function; Not observed at significant frequency in large population cohorts (gnomAD); This variant is associated with the following publications: (PMID: 28431631, 32404165, 24091540)

NM_001384732.1(CPLANE1):c.2846A>G (p.Tyr949Cys)

Gene: CPLANE1 (ciliogenesis and planar polarity effector complex subunit 1; minus strand). Cytogenetic location: 5p13.2.
Variant type: single nucleotide variant.
Coding change: c.2846A>G on transcript NM_001384732.1 (MANE Select); coding-DNA position 2846, A replaced by G.
Protein change: p.Tyr949Cys; replaces tyrosine 949 with cysteine.
Molecular consequence: missense variant.
Genome position (GRCh38, 1-based): chr5:37,213,633, T>C on the plus strand (A>G on the coding strand, the complement: CPLANE1 is on the minus strand). VCF-style: chr5-37213633-T-C. GRCh37 (hg19) VCF-style: chr5-37213735-T-C.
Other names: c.2846A>G, p.Tyr949Cys (NM_023073.4); short protein forms Y949C.
Identifiers: ClinVar variation 1707781 (VCV001707781.3), dbSNP rs1287781089, ClinGen allele CA359483906.